The following is an entry in ClinVar:

NM_020812.4(DOCK6):c.4997C>T (p.Ser1666Leu)

Genes: DOCK6 (dedicator of cytokinesis 6; minus strand), DOCK6-AS1 (DOCK6 antisense RNA 1; plus strand). Cytogenetic location: 19p13.2.
Variant type: single nucleotide variant.
Coding change: c.4997C>T on transcript NM_020812.4 (MANE Select); coding-DNA position 4997, C replaced by T.
Protein change: p.Ser1666Leu; replaces serine 1666 with leucine.
Molecular consequence: missense variant.
Genome position (GRCh38, 1-based): chr19:11,208,777, G>A on the plus strand (C>T on the coding strand, the complement: DOCK6 is on the minus strand). VCF-style: chr19-11208777-G-A. GRCh37 (hg19) VCF-style: chr19-11319453-G-A.
Other names: c.5102C>T, p.Ser1701Leu (NM_001367830.1); short protein forms S1701L, S1666L.
Identifiers: ClinVar variation 2992506 (VCV002992506.3), dbSNP rs373239745, ClinGen allele CA305304594.
Genomic context (GRCh38, chr19:11,208,777, plus strand): 5'-AACCCTACCAGCCCCAGCTCAGTGAAGTGCTTCCCGGAGCAGAAGCCCTCCTCGTCGGGC[G>A]ACAGGATGTCGTCGGAGATGGCGGACTCCTCTAGCACGTTGGATGAGATGTTCTGGGGTG-3'
Protein context (NP_065863.2, residues 1656-1676): EESAISDDIL[Ser1666Leu]PDEEGFCSGK

ClinVar aggregate classification (germline): Uncertain significance (1 of 4 stars; one submission).

Allele frequency attached by ClinVar (database versions not stated): gnomAD exomes 0.00001.
gnomAD v4.1: 5 of 1,613,760 alleles (0.00031%); highest among the groups gnomAD compares: Non-Finnish European, 0.00034%; no homozygotes.

Submission:

Labcorp Genetics (formerly Invitae), Labcorp
Classification: Uncertain significance. Last evaluated: 2023-04-12. Review status: criteria provided, single submitter. Criteria: Invitae Variant Classification Sherloc (09022015). Collection method: clinical testing. Allele origin: germline.
Comment: In summary, the available evidence is currently insufficient to determine the role of this variant in disease. Therefore, it has been classified as a Variant of Uncertain Significance. Advanced modeling of protein sequence and biophysical properties (such as structural, functional, and spatial information, amino acid conservation, physicochemical variation, residue mobility, and thermodynamic stability) has been performed at Invitae for this missense variant, however the output from this modeling did not meet the statistical confidence thresholds required to predict the impact of this variant on DOCK6 protein function. This variant has not been reported in the literature in individuals affected with DOCK6-related conditions. This variant is not present in population databases (gnomAD no frequency). This sequence change replaces serine, which is neutral and polar, with leucine, which is neutral and non-polar, at codon 1666 of the DOCK6 protein (p.Ser1666Leu).